The following is an entry in ClinVar:

NM_002474.3(MYH11):c.1431C>T (p.Asn477=)

Gene: MYH11 (myosin heavy chain 11; minus strand). Cytogenetic location: 16p13.11.
Variant type: single nucleotide variant.
Coding change: c.1431C>T on transcript NM_002474.3 (MANE Select); coding-DNA position 1431, C replaced by T.
Protein change: p.Asn477=; no amino-acid change (asparagine 477 retained).
Molecular consequence: synonymous variant.
Genome position (GRCh38, 1-based): chr16:15,757,971, G>A on the plus strand (C>T on the coding strand, the complement: MYH11 is on the minus strand). VCF-style: chr16-15757971-G-A. GRCh37 (hg19) VCF-style: chr16-15851828-G-A.
Other names: c.1452C>T, p.Asn484= (NM_001040113.2, NM_001040114.2); c.1431C>T, p.Asn477= (NM_022844.3).
Identifiers: ClinVar variation 925642 (VCV000925642.3), dbSNP rs753577750, ClinGen allele CA7922605.

ClinVar aggregate classification (germline): Likely benign. Review status: criteria provided, multiple submitters, no conflicts (2 of 4 stars). 2 submissions from 2 submitters: Likely benign (2). Last evaluated 2023-06-26.

Conditions:
Familial thoracic aortic aneurysm and aortic dissection (TAAD). Also called: Thoracic aortic aneurysms and dissections. Identifiers: Orphanet 91387, MedGen C4707243, MONDO:0019625.

Allele frequency attached by ClinVar (database versions not stated): ExAC 0.00001; gnomAD exomes 0.00001.
gnomAD v4.1: 3 of 1,614,170 alleles (0.00019%); highest among the groups gnomAD compares: East Asian, 0.0067%; no homozygotes.

Submissions (2):

All of Us Research Program, National Institutes of Health
Classification: Likely benign for Familial thoracic aortic aneurysm and aortic dissection. Last evaluated: 2023-06-26. Review status: criteria provided, single submitter. Criteria: ACMG Guidelines, 2015. Collection method: clinical testing. Allele origin: germline. Inheritance: Autosomal dominant inheritance. Observed: 1 variant allele, 1 heterozygote.
Comment: This study involves interpretation of variants in research participants for the purpose of population health screening. Participant phenotype was not available at the time of variant classification. Additional details can be found in publication PMID: 35346344, PMCID: PMC8962531

Color Diagnostics, LLC DBA Color Health
Classification: Likely benign for Familial thoracic aortic aneurysm and aortic dissection. Last evaluated: 2019-01-20. Review status: criteria provided, single submitter. Criteria: ACMG Guidelines, 2015. Collection method: clinical testing. Allele origin: germline.